The following is an entry in ClinVar:

NM_000186.4(CFH):c.1533C>T (p.Ile511=)

Gene: CFH (complement factor H; plus strand). Cytogenetic location: 1q31.3.
Variant type: single nucleotide variant.
Coding change: c.1533C>T on transcript NM_000186.4 (MANE Select); coding-DNA position 1533, C replaced by T.
Protein change: p.Ile511=; no amino-acid change (isoleucine 511 retained).
Molecular consequence: synonymous variant.
Genome position (GRCh38, 1-based): chr1:196,715,606, C>T. VCF-style: chr1-196715606-C-T. GRCh37 (hg19) VCF-style: chr1-196684736-C-T.
Identifiers: ClinVar variation 2031131 (VCV002031131.4), dbSNP rs2529474405, ClinGen allele CA422663656.
Genomic context (GRCh38, chr1:196,715,606, plus strand): 5'-TTATTAGATGACATTAGAAATGACATTCTAAATTTTTTATGCACTAGAATCTTGTGATAT[C>T]CCAGTATTTATGAATGCCAGAACTAAAAATGACTTCACATGGTTTAAGCTGAATGACACA-3'
Protein context (NP_000177.2, residues 501-521): AQPTCIKSCD[Ile511=]PVFMNARTKN

ClinVar aggregate classification (germline): Uncertain significance (1 of 4 stars; one submission).

Submission:

Labcorp Genetics (formerly Invitae), Labcorp
Classification: Uncertain significance. Last evaluated: 2022-10-08. Review status: criteria provided, single submitter. Criteria: Invitae Variant Classification Sherloc (09022015). Collection method: clinical testing. Allele origin: germline.
Comment: This variant has not been reported in the literature in individuals affected with CFH-related conditions. This sequence change affects codon 511 of the CFH mRNA. It is a 'silent' change, meaning that it does not change the encoded amino acid sequence of the CFH protein. This variant is not present in population databases (gnomAD no frequency). Algorithms developed to predict the effect of sequence changes on RNA splicing suggest that this variant may create or strengthen a splice site. In summary, the available evidence is currently insufficient to determine the role of this variant in disease. Therefore, it has been classified as a Variant of Uncertain Significance.